The following is an entry in ClinVar:

NM_207118.3(GTF2H5):c.110A>T (p.Asp37Val)

Gene: GTF2H5 (general transcription factor IIH subunit 5; plus strand). Cytogenetic location: 6q25.3.
Variant type: single nucleotide variant.
Coding change: c.110A>T on transcript NM_207118.3 (MANE Select); coding-DNA position 110, A replaced by T.
Protein change: p.Asp37Val; replaces aspartic acid 37 with valine.
Molecular consequence: missense variant.
Genome position (GRCh38, 1-based): chr6:158,192,051, A>T. VCF-style: chr6-158192051-A-T. GRCh37 (hg19) VCF-style: chr6-158613083-A-T.
Other names: short protein forms D37V.
Identifiers: ClinVar variation 2096429 (VCV002096429.4), dbSNP rs1777037398, ClinGen allele CA366253436.

ClinVar aggregate classification (germline): Uncertain significance (1 of 4 stars; one submission).

Submission:

Labcorp Genetics (formerly Invitae), Labcorp
Classification: Uncertain significance. Last evaluated: 2024-03-11. Review status: criteria provided, single submitter. Criteria: Invitae Variant Classification Sherloc (09022015). Collection method: clinical testing. Allele origin: germline.
Comment: This sequence change replaces aspartic acid, which is acidic and polar, with valine, which is neutral and non-polar, at codon 37 of the GTF2H5 protein (p.Asp37Val). This variant is not present in population databases (gnomAD no frequency). This variant has not been reported in the literature in individuals affected with GTF2H5-related conditions. ClinVar contains an entry for this variant (Variation ID: 2096429). An algorithm developed to predict the effect of missense changes on protein structure and function (PolyPhen-2) suggests that this variant is likely to be disruptive. In summary, the available evidence is currently insufficient to determine the role of this variant in disease. Therefore, it has been classified as a Variant of Uncertain Significance.